The following is an entry in ClinVar:

NM_017849.4(TMEM127):c.76C>A (p.Gln26Lys)

Genes: TMEM127 (transmembrane protein 127; minus strand), LOC129934333 (ATAC-STARR-seq lymphoblastoid silent region 11759; plus strand). Cytogenetic location: 2q11.2.
Variant type: single nucleotide variant.
Coding change: c.76C>A on transcript NM_017849.4 (MANE Select); coding-DNA position 76, C replaced by A.
Protein change: p.Gln26Lys; replaces glutamine 26 with lysine.
Molecular consequence: missense variant. On other transcripts: intron variant (1).
Genome position (GRCh38, 1-based): chr2:96,265,306, G>T on the plus strand (C>A on the coding strand, the complement: TMEM127 is on the minus strand). VCF-style: chr2-96265306-G-T. GRCh37 (hg19) VCF-style: chr2-96931044-G-T.
Other names: c.76C>A, p.Gln26Lys (NM_001193304.3); c.-9+563C>A (NM_001407283.1); short protein forms Q26K.
Identifiers: ClinVar variation 5030925 (VCV005030925.1).
Genomic context (GRCh38, chr2:96,265,306, plus strand): 5'-TGCACAGCGCCGTGATAGACAGGGCGCCAGGCAGGGCCGAGGCCAGGCTACGCTCCGGCT[G>T]CTTGGGCAGAGCGCTGCCTCCCGGGCTCCTCCGCCGGCGCCCGCCGGGCAGCCCTGCGCC-3'
Protein context (NP_060319.1, residues 16-36): RSPGGSALPK[Gln26Lys]PERSLASALP

ClinVar aggregate classification (germline): Uncertain significance (1 of 4 stars; one submission).

Conditions:
Hereditary cancer-predisposing syndrome. Also called: Neoplastic Syndromes, Hereditary; Tumor predisposition; Hereditary neoplastic syndrome; Hereditary Cancer Syndrome. Identifiers: Orphanet 140162, MedGen C0027672, MeSH D009386, MONDO:0015356.

Submission:

Ambry Genetics
Classification: Uncertain significance for Hereditary cancer-predisposing syndrome. Last evaluated: 2026-07-07. Review status: criteria provided, single submitter. Criteria: Ambry Variant Classification Scheme 2023. Collection method: clinical testing. Allele origin: germline.
Comment: The p.Q26K variant (also known as c.76C>A), located in coding exon 1 of the TMEM127 gene, results from a C to A substitution at nucleotide position 76. The glutamine at codon 26 is replaced by lysine, an amino acid with similar properties. This amino acid position is conserved. In addition, the in silico prediction for this alteration is inconclusive. Based on the available evidence, the clinical significance of this variant remains unclear.